The following is an entry in ClinVar:

ClinVar aggregate classification (germline): Uncertain significance (1 of 4 stars; one submission).

Conditions:
Kleefstra syndrome 1 (KLEFS1). Identifiers: Orphanet 261494, MedGen C0795833, MONDO:0027407, OMIM 610253.

Allele frequency attached by ClinVar (database versions not stated): gnomAD exomes below 0.00001.

Submission:

Labcorp Genetics (formerly Invitae), Labcorp
Classification: Uncertain significance for Kleefstra syndrome 1. Last evaluated: 2019-04-08. Review status: criteria provided, single submitter. Criteria: Invitae Variant Classification Sherloc (09022015). Collection method: clinical testing. Allele origin: germline.
Comment: This sequence change replaces methionine with valine at codon 877 of the EHMT1 protein (p.Met877Val). The methionine residue is highly conserved and there is a small physicochemical difference between methionine and valine. This variant is not present in population databases (ExAC no frequency). This variant has not been reported in the literature in individuals with EHMT1-related conditions. Algorithms developed to predict the effect of missense changes on protein structure and function are either unavailable or do not agree on the potential impact of this missense change (SIFT: "Deleterious"; PolyPhen-2: "Possibly Damaging"; Align-GVGD: "Class C0"). In summary, the available evidence is currently insufficient to determine the role of this variant in disease. Therefore, it has been classified as a Variant of Uncertain Significance.

NM_024757.5(EHMT1):c.2629A>G (p.Met877Val)

Gene: EHMT1 (euchromatic histone lysine methyltransferase 1; plus strand). Cytogenetic location: 9q34.3.
Variant type: single nucleotide variant.
Coding change: c.2629A>G on transcript NM_024757.5 (MANE Select); coding-DNA position 2629, A replaced by G.
Protein change: p.Met877Val; replaces methionine 877 with valine.
Molecular consequence: missense variant.
Genome position (GRCh38, 1-based): chr9:137,800,901, A>G. VCF-style: chr9-137800901-A-G. GRCh37 (hg19) VCF-style: chr9-140695353-A-G.
Other names: c.2608A>G, p.Met870Val (NM_001354263.2); short protein forms M870V, M877V.
Identifiers: ClinVar variation 850554 (VCV000850554.10), dbSNP rs1953424359, ClinGen allele CA375788764.
Genomic context (GRCh38, chr9:137,800,901, plus strand): 5'-TCTCTGGAGCGATGACAGCTTTGTCCTCTTCCCTGGCAGGATGACGGAGGCTGGACACCC[A>G]TGATCTGGGCCACAGAGTACAAGCACGTGGACCTCGTGAAGCTGCTGCTGTCCAAGGGCT-3'
Protein context (NP_079033.4, residues 867-887): NCQDDGGWTP[Met877Val]IWATEYKHVD